The following is an entry in ClinVar:

NM_015311.3(OBSL1):c.2953+1G>C

Gene: OBSL1 (obscurin like cytoskeletal adaptor 1; minus strand). Cytogenetic location: 2q35.
Variant type: single nucleotide variant.
Coding change: c.2953+1G>C on transcript NM_015311.3 (MANE Select); the canonical splice donor site of the intron after coding-DNA position 2953, G replaced by C.
Molecular consequence: splice donor variant.
Genome position (GRCh38, 1-based): chr2:219,562,401, C>G on the plus strand (G>C on the coding strand, the complement: OBSL1 is on the minus strand). VCF-style: chr2-219562401-C-G. GRCh37 (hg19) VCF-style: chr2-220427123-C-G.
Other names: c.2953+1G>C (NM_001173431.2, NM_001173408.2).
Identifiers: ClinVar variation 5018694 (VCV005018694.2).

ClinVar aggregate classification (germline): Uncertain significance (1 of 4 stars; one submission).

Conditions:
3M syndrome 2. Also called: 3-M Syndrome, OBSL1-Related; THREE M SYNDROME 2. Identifiers: Orphanet 2616, MedGen C2752041, MONDO:0013039, OMIM 612921.

Submission:

Juno Genomics, Hangzhou Juno Genomics, Inc
Classification: Uncertain significance for 3M syndrome 2. Review status: criteria provided, single submitter. Criteria: ACMG Guidelines, 2015. Collection method: clinical testing. Allele origin: germline.
Comment: Absent from controls (or at extremely low frequency if recessive) in Genome Aggregation Database.;Null variant in a gene where loss of function (LOF) is a known mechanism of disease.